The following is an entry in ClinVar:

NM_001199397.3(NEK1):c.3622G>A (p.Asp1208Asn)

Gene: NEK1 (NIMA related kinase 1; minus strand). Cytogenetic location: 4q33.
Variant type: single nucleotide variant.
Coding change: c.3622G>A on transcript NM_001199397.3 (MANE Select); coding-DNA position 3622, G replaced by A.
Protein change: p.Asp1208Asn; replaces aspartic acid 1208 with asparagine.
Molecular consequence: missense variant. On other transcripts: non-coding transcript variant (1).
Genome position (GRCh38, 1-based): chr4:169,400,613, C>T on the plus strand (G>A on the coding strand, the complement: NEK1 is on the minus strand). VCF-style: chr4-169400613-C-T. GRCh37 (hg19) VCF-style: chr4-170321764-C-T.
Other names: c.3490G>A, p.Asp1164Asn (NM_001199398.3); c.3331G>A, p.Asp1111Asn (NM_001199399.3); c.3406G>A, p.Asp1136Asn (NM_001199400.3); c.3622G>A, p.Asp1208Asn (NM_001374418.1); c.3538G>A, p.Asp1180Asn (NM_001374419.1, NM_012224.4); c.3487G>A, p.Asp1163Asn (NM_001374420.1); c.3139G>A, p.Asp1047Asn (NM_001374421.1); short protein forms D1208N, D1180N, D1111N, D1136N, D1164N, D1047N, D1163N.
Identifiers: ClinVar variation 348090 (VCV000348090.9), dbSNP rs35503975, ClinGen allele CA3137116.

ClinVar aggregate classification (germline): Conflicting classifications of pathogenicity. Review status: criteria provided, conflicting classifications (1 of 4 stars). 3 submissions from 3 submitters: Uncertain significance (1); Likely benign (2). Last evaluated 2025-06-26.

Conditions:
Short-rib thoracic dysplasia 6 with or without polydactyly (SRTD6). Also called: POLYDACTYLY WITH NEONATAL CHONDRODYSTROPHY, TYPE II; Majewski Syndrome; SHORT RIB-POLYDACTYLY SYNDROME, TYPE IIA; SHORT-RIB THORACIC DYSPLASIA 6 WITH POLYDACTYLY; SHORT-RIB THORACIC DYSPLASIA 6 WITHOUT POLYDACTYLY. Identifiers: MedGen C0024507, MONDO:0009894, OMIM 263520.

Allele frequency attached by ClinVar (database versions not stated): gnomAD exomes 0.00003 and 0.00012; TOPMed 0.00003; gnomAD 0.00004; ExAC 0.00011; 1000 Genomes Project 30x 0.00016.
gnomAD v4.1: 57 of 1,602,154 alleles (0.0036%); highest among the groups gnomAD compares: East Asian, 0.11%; no homozygotes.

Submissions (3):

Labcorp Genetics (formerly Invitae), Labcorp
Classification: Likely benign for Short-rib thoracic dysplasia 6 with or without polydactyly. Last evaluated: 2025-06-26. Review status: criteria provided, single submitter. Criteria: Invitae Variant Classification Sherloc (09022015). Collection method: clinical testing. Allele origin: germline.

Illumina Laboratory Services, Illumina
Classification: Uncertain significance for Short-rib thoracic dysplasia 6 with or without polydactyly. Last evaluated: 2018-01-12. Review status: criteria provided, single submitter. Criteria: ICSL Variant Classification Criteria 13 December 2019. Collection method: clinical testing. Allele origin: germline.

GeneDx
Classification: Likely benign. Last evaluated: 2017-12-18. Review status: criteria provided, single submitter. Criteria: GeneDx Variant Classification (06012015). Collection method: clinical testing. Allele origin: germline. Affected: yes.
Comment: This variant is considered likely benign or benign based on one or more of the following criteria: it is a conservative change, it occurs at a poorly conserved position in the protein, it is predicted to be benign by multiple in silico algorithms, and/or has population frequency not consistent with disease.